The following is an entry in ClinVar:

ClinVar aggregate classification (germline): Likely pathogenic (1 of 4 stars; one submission).

Conditions:
X-linked Alport syndrome (ATS1). Also called: NEPHROPATHY AND DEAFNESS, X-LINKED; COL4A5-Related Nephropathy. Identifiers: Orphanet 63, Orphanet 88917, MedGen C4746986, MONDO:0010520, OMIM 301050.

Submission:

Myriad Genetics, Inc.
Classification: Likely pathogenic for X-linked Alport syndrome. Last evaluated: 2019-02-25. Review status: criteria provided, single submitter. Criteria: Myriad Women's Health Autosomal Recessive and X-Linked Classification Criteria (2019). Collection method: clinical testing. Allele origin: unknown.
Comment: NM_000495.4(COL4A5):c.3619G>T(G1207*) is expected to be pathogenic in the context of X-linked Alport syndrome. This variant is predicted to lead to an abnormal or absent protein product due to the creation of a premature termination codon in COL4A5, a gene where loss-of-function variants are known to be pathogenic. Please note: this variant was assessed in the context of healthy population screening.

NM_033380.3(COL4A5):c.3619G>T (p.Gly1207Ter)

Gene: COL4A5 (collagen type IV alpha 5 chain; plus strand). Cytogenetic location: Xq22.3.
Variant type: single nucleotide variant.
Coding change: c.3619G>T on transcript NM_033380.3 (MANE Select); coding-DNA position 3619, G replaced by T.
Protein change: p.Gly1207Ter; replaces glycine 1207 with a stop codon.
Molecular consequence: nonsense.
Genome position (GRCh38, 1-based): chrX:108,668,333, G>T. VCF-style: chrX-108668333-G-T. GRCh37 (hg19) VCF-style: chrX-107911563-G-T.
Other names: c.3619G>T, p.Gly1207Ter (NM_000495.5); short protein forms G1207*.
Identifiers: ClinVar variation 984064 (VCV000984064.3), dbSNP rs2068126785, ClinGen allele CA413848382.